The following is an entry in ClinVar:

NM_000038.6(APC):c.7879T>G (p.Ser2627Ala)

Gene: APC (APC regulator of Wnt signaling pathway; plus strand). Cytogenetic location: 5q22.2.
Variant type: single nucleotide variant.
Coding change: c.7879T>G on transcript NM_000038.6 (MANE Select); coding-DNA position 7879, T replaced by G.
Protein change: p.Ser2627Ala; replaces serine 2627 with alanine.
Molecular consequence: missense variant.
Genome position (GRCh38, 1-based): chr5:112,843,473, T>G. VCF-style: chr5-112843473-T-G. GRCh37 (hg19) VCF-style: chr5-112179170-T-G.
Other names: c.7879T>G (NM_000038.5); c.7879T>G, p.Ser2627Ala (NM_001127510.3, NM_001354895.2); c.7825T>G, p.Ser2609Ala (NM_001127511.3); c.7933T>G, p.Ser2645Ala (NM_001354896.2); c.7909T>G, p.Ser2637Ala (NM_001354897.2); c.7804T>G, p.Ser2602Ala (NM_001354898.2); c.7795T>G, p.Ser2599Ala (NM_001354899.2); c.7756T>G, p.Ser2586Ala (NM_001354900.2); and 6 more; short protein forms S2344A, S2467A, S2501A, S2526A, S2536A, S2568A, S2586A, S2599A.
Identifiers: ClinVar variation 1052468 (VCV001052468.11), dbSNP rs1580687626, ClinGen allele CA16038452.

ClinVar aggregate classification (germline): Uncertain significance. Review status: criteria provided, multiple submitters, no conflicts (2 of 4 stars). 2 submissions from 2 submitters: Uncertain significance (2). Last evaluated 2026-07-05.

Conditions:
Familial adenomatous polyposis 1 (FAP1). Also called: POLYPOSIS, ADENOMATOUS INTESTINAL; FAMILIAL ADENOMATOUS POLYPOSIS 1, ATTENUATED. Identifiers: MedGen C2713442, MONDO:0021056, OMIM 175100. Disease mechanism: loss of function.
Hereditary cancer-predisposing syndrome. Also called: Tumor predisposition; Hereditary Cancer Syndrome; Hereditary neoplastic syndrome; Neoplastic Syndromes, Hereditary. Identifiers: Orphanet 140162, MedGen C0027672, MeSH D009386, MONDO:0015356.

Submissions (2):

Ambry Genetics
Classification: Uncertain significance for Hereditary cancer-predisposing syndrome. Last evaluated: 2026-07-05. Review status: criteria provided, single submitter. Criteria: Ambry Variant Classification Scheme 2023. Collection method: clinical testing. Allele origin: germline.
Comment: The p.S2627A variant (also known as c.7879T>G), located in coding exon 15 of the APC gene, results from a T to G substitution at nucleotide position 7879. The serine at codon 2627 is replaced by alanine, an amino acid with similar properties. This amino acid position is conserved. In addition, in silico predictors for this gene do not accurately predict pathogenicity. Based on the available evidence, the clinical significance of this variant remains unclear.

Labcorp Genetics (formerly Invitae), Labcorp
Classification: Uncertain significance for Familial adenomatous polyposis 1. Last evaluated: 2025-02-09. Review status: criteria provided, single submitter. Criteria: Invitae Variant Classification Sherloc (09022015). Collection method: clinical testing. Allele origin: germline.
Comment: This sequence change replaces serine, which is neutral and polar, with alanine, which is neutral and non-polar, at codon 2627 of the APC protein (p.Ser2627Ala). This variant is not present in population databases (gnomAD no frequency). This variant has not been reported in the literature in individuals affected with APC-related conditions. ClinVar contains an entry for this variant (Variation ID: 1052468). Invitae Evidence Modeling of protein sequence and biophysical properties (such as structural, functional, and spatial information, amino acid conservation, physicochemical variation, residue mobility, and thermodynamic stability) indicates that this missense variant is not expected to disrupt APC protein function with a negative predictive value of 95%. In summary, the available evidence is currently insufficient to determine the role of this variant in disease. Therefore, it has been classified as a Variant of Uncertain Significance.